The following is an entry in ClinVar:

NM_001283009.2(RTEL1):c.3557G>A (p.Arg1186Lys)

Genes: RTEL1 (regulator of telomere elongation helicase 1; plus strand), RTEL1-TNFRSF6B (RTEL1-TNFRSF6B readthrough (NMD candidate); plus strand). Cytogenetic location: 20q13.33.
Variant type: single nucleotide variant.
Coding change: c.3557G>A on transcript NM_001283009.2 (MANE Select); coding-DNA position 3557, G replaced by A.
Protein change: p.Arg1186Lys; replaces arginine 1186 with lysine.
Molecular consequence: missense variant. On other transcripts: non-coding transcript variant (1).
Genome position (GRCh38, 1-based): chr20:63,695,385, G>A. VCF-style: chr20-63695385-G-A. GRCh37 (hg19) VCF-style: chr20-62326738-G-A.
Other names: c.2888G>A, p.Arg963Lys (NM_001283010.1); c.3557G>A, p.Arg1186Lys (NM_016434.4); c.3629G>A, p.Arg1210Lys (NM_032957.5); short protein forms R1186K, R1210K, R963K.
Identifiers: ClinVar variation 1495573 (VCV001495573.4), dbSNP rs2090952685, ClinGen allele CA409685700.
Genomic context (GRCh38, chr20:63,695,385, plus strand): 5'-CAGGCCCCTCACGGTCCGAGAAGACCGGGAAGACCCAGAGCAAGATCTCGTCCTTCCTTA[G>A]ACAGAGGCCAGCAGGGACTGTGGGGGCGGGCGGTGAGGATGCAGGTCCCAGCCAGTCCTC-3'
Protein context (NP_001269938.1, residues 1176-1196): KTQSKISSFL[Arg1186Lys]QRPAGTVGAG

ClinVar aggregate classification (germline): Uncertain significance. Review status: criteria provided, multiple submitters, no conflicts (2 of 4 stars). 2 submissions from 2 submitters: Uncertain significance (2). Last evaluated 2026-03-02.

Conditions:
Inborn genetic diseases. Identifiers: MedGen C0950123, MeSH D030342.
Dyskeratosis congenita, autosomal recessive 5 (DKCB5). Identifiers: MedGen C3554656, MONDO:0014076, OMIM 615190.
Pulmonary fibrosis and/or bone marrow failure, Telomere-related, 3. Also called: PULMONARY FIBROSIS AND/OR BONE MARROW FAILURE SYNDROME, TELOMERE-RELATED, 3. Identifiers: Orphanet 2032, MedGen C4225346, MONDO:0014613, OMIM 616373.

Submissions (2):

Ambry Genetics
Classification: Uncertain significance for Inborn genetic diseases. Last evaluated: 2026-03-02. Review status: criteria provided, single submitter. Criteria: Ambry Variant Classification Scheme 2023. Collection method: clinical testing. Allele origin: germline.
Comment: The p.R1186K variant (also known as c.3557G>A), located in coding exon 33 of the RTEL1 gene, results from a G to A substitution at nucleotide position 3557. The arginine at codon 1186 is replaced by lysine, an amino acid with highly similar properties. This amino acid position is conserved. In addition, this alteration is predicted to be tolerated by in silico analysis. Based on the available evidence, the clinical significance of this variant remains unclear.

Labcorp Genetics (formerly Invitae), Labcorp
Classification: Uncertain significance for Dyskeratosis congenita, autosomal recessive 5; Pulmonary fibrosis and/or bone marrow failure, Telomere-related, 3. Last evaluated: 2021-08-20. Review status: criteria provided, single submitter. Criteria: Invitae Variant Classification Sherloc (09022015). Collection method: clinical testing. Allele origin: germline.